The following is an entry in ClinVar:

ClinVar aggregate classification (germline): Pathogenic (1 of 4 stars; one submission).

Submission:

Labcorp Genetics (formerly Invitae), Labcorp
Classification: Pathogenic. Last evaluated: 2025-11-12. Review status: criteria provided, single submitter. Criteria: Invitae Variant Classification Sherloc (09022015). Collection method: clinical testing. Allele origin: germline.
Comment: This sequence change creates a premature translational stop signal (p.Thr267Profs*7) in the ANK1 gene. It is expected to result in an absent or disrupted protein product. Loss-of-function variants in ANK1 are known to be pathogenic (PMID: 8640229). This variant is not present in population databases (gnomAD no frequency). This variant has not been reported in the literature in individuals affected with ANK1-related conditions. For these reasons, this variant has been classified as Pathogenic.

Literature cited by the submitters: PubMed 8640229.

NM_000037.4(ANK1):c.799del (p.Thr267fs)

Gene: ANK1 (ankyrin 1; minus strand). Cytogenetic location: 8p11.21.
Variant type: Deletion.
Coding change: c.799del on transcript NM_000037.4 (MANE Select); coding-DNA position 799, one base deleted (A; older notation c.799delA).
Protein change: p.Thr267fs; shifts the reading frame from threonine 267.
Molecular consequence: frameshift variant.
Genome position (GRCh38, 1-based): chr8:41,723,546, T deleted on the plus strand (A on the coding strand, the reverse complement: ANK1 is on the minus strand); the first of 3 consecutive T bases (chr8:41,723,546-41,723,548); deleting any one gives the same sequence. VCF-style (leftmost placement, unchanged base first): chr8-41723545-GT-G. GRCh37 (hg19) VCF-style: chr8-41581063-GT-G.
Other names: c.898del, p.Thr300fs (NM_001142446.2); c.799del, p.Thr267fs (NM_020475.3, NM_020476.3, NM_020477.3); short protein forms T267fs, T300fs.
Identifiers: ClinVar variation 4731109 (VCV004731109.1).